The following is an entry in ClinVar:

ClinVar aggregate classification (germline): Uncertain significance (1 of 4 stars; one submission).

Conditions:
Acyl-CoA oxidase deficiency. Also called: Peroxisomal acyl-CoA oxidase deficiency; STRAIGHT-CHAIN ACYL-CoA OXIDASE DEFICIENCY; Pseudoneonatal adrenoleukodystrophy. Identifiers: Orphanet 2971, MedGen C1849678, MONDO:0009919, OMIM 264470. Disease mechanism: loss of function.

Submission:

Labcorp Genetics (formerly Invitae), Labcorp
Classification: Uncertain significance for Acyl-CoA oxidase deficiency. Last evaluated: 2022-08-22. Review status: criteria provided, single submitter. Criteria: Invitae Variant Classification Sherloc (09022015). Collection method: clinical testing. Allele origin: germline.
Comment: This variant is not present in population databases (gnomAD no frequency). In summary, the available evidence is currently insufficient to determine the role of this variant in disease. Therefore, it has been classified as a Variant of Uncertain Significance. Algorithms developed to predict the effect of missense changes on protein structure and function are either unavailable or do not agree on the potential impact of this missense change (SIFT: "Tolerated"; PolyPhen-2: "Probably Damaging"; Align-GVGD: "Class C0"). This variant has not been reported in the literature in individuals affected with ACOX1-related conditions. This sequence change replaces cysteine, which is neutral and slightly polar, with serine, which is neutral and polar, at codon 392 of the ACOX1 protein (p.Cys392Ser).

NM_004035.7(ACOX1):c.1174T>A (p.Cys392Ser)

Gene: ACOX1 (acyl-CoA oxidase 1; minus strand). Cytogenetic location: 17q25.1.
Variant type: single nucleotide variant.
Coding change: c.1174T>A on transcript NM_004035.7 (MANE Select); coding-DNA position 1174, T replaced by A.
Protein change: p.Cys392Ser; replaces cysteine 392 with serine.
Molecular consequence: missense variant.
Genome position (GRCh38, 1-based): chr17:75,950,898, A>T on the plus strand (T>A on the coding strand, the complement: ACOX1 is on the minus strand). VCF-style: chr17-75950898-A-T. GRCh37 (hg19) VCF-style: chr17-73946979-A-T.
Other names: c.1060T>A, p.Cys354Ser (NM_001185039.2); c.1174T>A, p.Cys392Ser (NM_007292.6); short protein forms C392S, C354S.
Identifiers: ClinVar variation 1949131 (VCV001949131.5), dbSNP rs2546075934, ClinGen allele CA401063017.